The following is an entry in ClinVar:

NM_001458.5(FLNC):c.5444C>T (p.Thr1815Ile)

Genes: FLNC (filamin C; plus strand), FLNC-AS1 (FLNC antisense RNA 1; minus strand). Cytogenetic location: 7q32.1.
Variant type: single nucleotide variant.
Coding change: c.5444C>T on transcript NM_001458.5 (MANE Select); coding-DNA position 5444, C replaced by T.
Protein change: p.Thr1815Ile; replaces threonine 1815 with isoleucine.
Molecular consequence: missense variant.
Genome position (GRCh38, 1-based): chr7:128,850,848, C>T. VCF-style: chr7-128850848-C-T. GRCh37 (hg19) VCF-style: chr7-128490902-C-T.
Other names: c.5345C>T, p.Thr1782Ile (NM_001127487.2); short protein forms T1782I, T1815I.
Identifiers: ClinVar variation 852271 (VCV000852271.8), dbSNP rs1361160043, ClinGen allele CA369206702.

ClinVar aggregate classification (germline): Uncertain significance. Review status: criteria provided, multiple submitters, no conflicts (2 of 4 stars). 2 submissions from 2 submitters: Uncertain significance (2). Last evaluated 2025-12-04.

Conditions:
Myofibrillar myopathy 5. Also called: FILAMINOPATHY, AUTOSOMAL DOMINANT; Filaminopathy (type). Identifiers: Orphanet 171445, MedGen C1836050, MONDO:0012289, OMIM 609524.
Distal myopathy with posterior leg and anterior hand involvement. Also called: WILLIAMS DISTAL MYOPATHY. Identifiers: Orphanet 63273, MedGen C3279722, MONDO:0013550, OMIM 614065.
Hypertrophic cardiomyopathy 26. Also called: Cardiomyopathy, familial hypertrophic, 26. Identifiers: Orphanet 75249, MedGen C4310749, MONDO:0014883, OMIM 617047.

Allele frequency attached by ClinVar (database versions not stated): gnomAD exomes below 0.00001.

Submissions (2):

Women's Health and Genetics/Laboratory Corporation of America, LabCorp
Classification: Uncertain significance. Last evaluated: 2025-12-04. Review status: criteria provided, single submitter. Criteria: LabCorp Variant Classification Summary - May 2015. Collection method: clinical testing. Allele origin: germline.
Comment: Variant summary: FLNC c.5444C>T (p.Thr1815Ile) results in a non-conservative amino acid change in the encoded protein sequence. Algorithms developed to predict the effect of missense changes on protein structure and function all suggest that this variant is likely to be disruptive. The variant allele was found at a frequency of 4e-06 in 249476 control chromosomes. The available data on variant occurrences in the general population are insufficient to allow any conclusion about variant significance. To our knowledge, no occurrence of c.5444C>T in individuals affected with FLNC-related conditions and no experimental evidence demonstrating its impact on protein function have been reported. ClinVar contains an entry for this variant (Variation ID: 852271). Based on the evidence outlined above, the variant was classified as uncertain significance.

Labcorp Genetics (formerly Invitae), Labcorp
Classification: Uncertain significance for Distal myopathy with posterior leg and anterior hand involvement; Myofibrillar myopathy 5; Hypertrophic cardiomyopathy 26. Last evaluated: 2025-06-01. Review status: criteria provided, single submitter. Criteria: Invitae Variant Classification Sherloc (09022015). Collection method: clinical testing. Allele origin: germline.
Comment: This sequence change replaces threonine, which is neutral and polar, with isoleucine, which is neutral and non-polar, at codon 1815 of the FLNC protein (p.Thr1815Ile). This variant is present in population databases (no rsID available, gnomAD 0.0009%). This variant has not been reported in the literature in individuals affected with FLNC-related conditions. ClinVar contains an entry for this variant (Variation ID: 852271). Invitae Evidence Modeling of protein sequence and biophysical properties (such as structural, functional, and spatial information, amino acid conservation, physicochemical variation, residue mobility, and thermodynamic stability) has been performed for this missense variant. However, the output from this modeling did not meet the statistical confidence thresholds required to predict the impact of this variant on FLNC protein function. In summary, the available evidence is currently insufficient to determine the role of this variant in disease. Therefore, it has been classified as a Variant of Uncertain Significance.